The following is an entry in ClinVar:

NM_002335.4(LRP5):c.3262G>T (p.Asp1088Tyr)

Gene: LRP5 (LDL receptor related protein 5; plus strand). Cytogenetic location: 11q13.2.
Variant type: single nucleotide variant.
Coding change: c.3262G>T on transcript NM_002335.4 (MANE Select); coding-DNA position 3262, G replaced by T.
Protein change: p.Asp1088Tyr; replaces aspartic acid 1088 with tyrosine.
Molecular consequence: missense variant.
Genome position (GRCh38, 1-based): chr11:68,425,127, G>T. VCF-style: chr11-68425127-G-T. GRCh37 (hg19) VCF-style: chr11-68192595-G-T.
Other names: c.1519G>T, p.Asp507Tyr (NM_001291902.2); short protein forms D1088Y, D507Y.
Identifiers: ClinVar variation 1950984 (VCV001950984.5), dbSNP rs1056200489, ClinGen allele CA381621327.
Genomic context (GRCh38, chr11:68,425,127, plus strand): 5'-CCCACACCCGTCCTTCACCCGCCACCCTCCCGCAGGTACCTGTACTTCACCAACATGCAG[G>T]ACCGGGCAGCCAAGATCGAACGCGCAGCCCTGGACGGCACCGAGCGCGAGGTCCTCTTCA-3'
Protein context (NP_002326.2, residues 1078-1098): RGYLYFTNMQ[Asp1088Tyr]RAAKIERAAL

ClinVar aggregate classification (germline): Uncertain significance (1 of 4 stars; one submission).

Allele frequency attached by ClinVar (database versions not stated): TOPMed 0.00008; gnomAD 0.00018.
gnomAD v4.1: 36 of 1,613,684 alleles (0.0022%); highest among the groups gnomAD compares: Admixed American, 0.058%; no homozygotes.

Submission:

Labcorp Genetics (formerly Invitae), Labcorp
Classification: Uncertain significance. Last evaluated: 2022-10-02. Review status: criteria provided, single submitter. Criteria: Invitae Variant Classification Sherloc (09022015). Collection method: clinical testing. Allele origin: germline.
Comment: In summary, the available evidence is currently insufficient to determine the role of this variant in disease. Therefore, it has been classified as a Variant of Uncertain Significance. Advanced modeling of protein sequence and biophysical properties (such as structural, functional, and spatial information, amino acid conservation, physicochemical variation, residue mobility, and thermodynamic stability) performed at Invitae indicates that this missense variant is not expected to disrupt LRP5 protein function. This variant has not been reported in the literature in individuals affected with LRP5-related conditions. This variant is present in population databases (no rsID available, gnomAD 0.02%). This sequence change replaces aspartic acid, which is acidic and polar, with tyrosine, which is neutral and polar, at codon 1088 of the LRP5 protein (p.Asp1088Tyr).